The following is an entry in ClinVar:

ClinVar aggregate classification (germline): Uncertain significance (1 of 4 stars; one submission).

Submission:

Ambry Genetics
Classification: Uncertain significance. Last evaluated: 2025-05-05. Review status: criteria provided, single submitter. Criteria: Ambry Variant Classification Scheme 2023. Collection method: clinical testing. Allele origin: germline.
Comment: The p.Q87E variant (also known as c.259C>G), located in coding exon 1 of the GALNT12 gene, results from a C to G substitution at nucleotide position 259. The glutamine at codon 87 is replaced by glutamic acid, an amino acid with highly similar properties. This amino acid position is conserved. In addition, this alteration is predicted to be tolerated by in silico analysis. Based on the available evidence, the clinical significance of this variant remains unclear.

NM_024642.5(GALNT12):c.259C>G (p.Gln87Glu)

Gene: GALNT12 (polypeptide N-acetylgalactosaminyltransferase 12; plus strand). Cytogenetic location: 9q22.33.
Variant type: single nucleotide variant.
Coding change: c.259C>G on transcript NM_024642.5 (MANE Select); coding-DNA position 259, C replaced by G.
Protein change: p.Gln87Glu; replaces glutamine 87 with glutamic acid.
Molecular consequence: missense variant.
Genome position (GRCh38, 1-based): chr9:98,807,957, C>G. VCF-style: chr9-98807957-C-G. GRCh37 (hg19) VCF-style: chr9-101570239-C-G.
Other names: short protein forms Q87E.
Identifiers: ClinVar variation 4028011 (VCV004028011.1).